The following is an entry in ClinVar:

ClinVar aggregate classification (germline): Uncertain significance. Review status: criteria provided, multiple submitters, no conflicts (2 of 4 stars). 2 submissions from 2 submitters: Uncertain significance (2). Last evaluated 2026-03-26.

Conditions:
Bethlem myopathy 1A. Also called: MYOPATHY, BENIGN CONGENITAL, WITH CONTRACTURES; Bethlem myopathy 1; Bethlem Muscular Dystrophy. Identifiers: Orphanet 610, MedGen CN029274, MONDO:0024530, OMIM 158810.

Submissions (2):

GeneDx
Classification: Uncertain significance. Last evaluated: 2026-03-26. Review status: criteria provided, single submitter. Criteria: GeneDx Variant Classification Process June 2021. Collection method: clinical testing. Allele origin: germline.
Comment: Frameshift variant predicted to result in abnormal protein length as the last 114 amino acid(s) are replaced with 8 different amino acid(s); Has not been previously published as pathogenic or benign to our knowledge; Not observed at significant frequency in large population cohorts (gnomAD)

Labcorp Genetics (formerly Invitae), Labcorp
Classification: Uncertain significance for Bethlem myopathy 1A. Last evaluated: 2025-06-03. Review status: criteria provided, single submitter. Criteria: Invitae Variant Classification Sherloc (09022015). Collection method: clinical testing. Allele origin: germline.
Comment: This sequence change creates a premature translational stop signal (p.Asp915Thrfs*9) in the COL6A1 gene. While this is not anticipated to result in nonsense mediated decay, it is expected to disrupt the last 114 amino acid(s) of the COL6A1 protein. This variant is not present in population databases (gnomAD no frequency). This variant has not been reported in the literature in individuals affected with COL6A1-related conditions. ClinVar contains an entry for this variant (Variation ID: 3710020). This variant disrupts a region of the COL6A1 protein in which other variant(s) (p.Leu941Alafs*34) have been observed in individuals with COL6A1-related conditions (PMID: 33250842). This suggests that this is a clinically significant region of the protein, and that variants that disrupt it are likely to be disease-causing. In summary, the available evidence is currently insufficient to determine the role of this variant in disease. Therefore, it has been classified as a Variant of Uncertain Significance.

Literature cited by the submitters: PubMed 33250842 (cited by Labcorp Genetics (formerly Invitae), Labcorp).

NM_001848.3(COL6A1):c.2742del (p.Asp915fs)

Gene: COL6A1 (collagen type VI alpha 1 chain; plus strand). Cytogenetic location: 21q22.3.
Variant type: Deletion.
Coding change: c.2742del on transcript NM_001848.3 (MANE Select); coding-DNA position 2742, one base deleted (C; older notation c.2742delC).
Protein change: p.Asp915fs; shifts the reading frame from aspartic acid 915.
Molecular consequence: frameshift variant.
Genome position (GRCh38, 1-based): chr21:46,003,668, C deleted; the last of 2 consecutive C bases (chr21:46,003,667-46,003,668); deleting either gives the same sequence. VCF-style (leftmost placement, unchanged base first): chr21-46003666-AC-A. GRCh37 (hg19) VCF-style: chr21-47423580-AC-A.
Other names: c.2742delC, p.Asp915Thrfs (NM_001848.2); c.2742del (NM_001848.2); short protein forms D915fs.
Identifiers: ClinVar variation 3710020 (VCV003710020.3).
Genomic context (GRCh38, chr21:46,003,666, plus strand): 5'-CTGCAGAACTACACGGCCCTGGCCAGTGCCGTCGATGCCATGGACTTTATCAACGACGCC[AC>A]CGACGTCAACGATGCCCTGGGCTATGTGACCCGCTTCTACCGCGAGGCCTCGTCCGGCGC-3'